The following is an entry in ClinVar:

NM_000095.3(COMP):c.1993C>T (p.Arg665Trp)

Gene: COMP (cartilage oligomeric matrix protein; minus strand). Cytogenetic location: 19p13.11.
Variant type: single nucleotide variant.
Coding change: c.1993C>T on transcript NM_000095.3 (MANE Select); coding-DNA position 1993, C replaced by T.
Protein change: p.Arg665Trp; replaces arginine 665 with tryptophan.
Molecular consequence: missense variant.
Genome position (GRCh38, 1-based): chr19:18,784,285, G>A on the plus strand (C>T on the coding strand, the complement: COMP is on the minus strand). VCF-style: chr19-18784285-G-A. GRCh37 (hg19) VCF-style: chr19-18895095-G-A.
Other names: c.1993C>T (NM_000095.2); short protein forms R665W.
Identifiers: ClinVar variation 1034755 (VCV001034755.35), dbSNP rs370202476, ClinGen allele CA9316209.

ClinVar aggregate classification (germline): Uncertain significance. Review status: criteria provided, multiple submitters, no conflicts (2 of 4 stars). 4 submissions from 4 submitters: Uncertain significance (4). Last evaluated 2025-08-02.

Conditions:
Inborn genetic diseases. Identifiers: MedGen C0950123, MeSH D030342.

Allele frequency attached by ClinVar (database versions not stated): gnomAD exomes 0.00003 and 0.00004; ExAC 0.00004; gnomAD 0.00005; TOPMed 0.00008; ESP Exome Variant Server 0.00015.
gnomAD v4.1: 65 of 1,613,976 alleles (0.004%); highest among the groups gnomAD compares: Middle Eastern, 0.033%; no homozygotes.

Submissions (4):

Ambry Genetics
Classification: Uncertain significance for Inborn genetic diseases. Last evaluated: 2025-08-02. Review status: criteria provided, single submitter. Criteria: Ambry Variant Classification Scheme 2023. Collection method: clinical testing. Allele origin: germline.

Labcorp Genetics (formerly Invitae), Labcorp
Classification: Uncertain significance. Last evaluated: 2025-04-16. Review status: criteria provided, single submitter. Criteria: Invitae Variant Classification Sherloc (09022015). Collection method: clinical testing. Allele origin: germline.
Comment: This sequence change replaces arginine, which is basic and polar, with tryptophan, which is neutral and slightly polar, at codon 665 of the COMP protein (p.Arg665Trp). This variant is present in population databases (rs370202476, gnomAD 0.006%). This variant has not been reported in the literature in individuals affected with COMP-related conditions. ClinVar contains an entry for this variant (Variation ID: 1034755). Invitae Evidence Modeling of protein sequence and biophysical properties (such as structural, functional, and spatial information, amino acid conservation, physicochemical variation, residue mobility, and thermodynamic stability) indicates that this missense variant is not expected to disrupt COMP protein function with a negative predictive value of 80%. In summary, the available evidence is currently insufficient to determine the role of this variant in disease. Therefore, it has been classified as a Variant of Uncertain Significance.

Revvity Omics, Revvity
Classification: Uncertain significance. Last evaluated: 2023-11-08. Review status: criteria provided, single submitter. Criteria: ACMG Guidelines, 2015. Collection method: clinical testing. Allele origin: germline.

CeGaT Center for Human Genetics Tuebingen
Classification: Uncertain significance. Last evaluated: 2023-04-01. Review status: criteria provided, single submitter. Criteria: CeGaT Center For Human Genetics Tuebingen Variant Classification Criteria Version 2. Collection method: clinical testing. Allele origin: germline. Affected: yes. Observed: 1 variant allele.